The following is an entry in ClinVar:

NM_001093.4(ACACB):c.129G>A (p.Pro43=)

Gene: ACACB (acetyl-CoA carboxylase beta; plus strand). Cytogenetic location: 12q24.11.
Variant type: single nucleotide variant.
Coding change: c.129G>A on transcript NM_001093.4 (MANE Select); coding-DNA position 129, G replaced by A.
Protein change: p.Pro43=; no amino-acid change (proline 43 retained).
Molecular consequence: synonymous variant. On other transcripts: intron variant (1).
Genome position (GRCh38, 1-based): chr12:109,139,534, G>A. VCF-style: chr12-109139534-G-A. GRCh37 (hg19) VCF-style: chr12-109577339-G-A.
Other names: c.129G>A, p.Pro43= (NM_001412734.1, NM_001412735.1); c.26+26119G>A (NM_001412737.1).
Identifiers: ClinVar variation 3038985 (VCV003038985.2), dbSNP rs146888683, ClinGen allele CA6772882.

ClinVar aggregate classification (germline): Likely benign (0 of 4 stars; one submission).

Conditions:
ACACB-related disorder. Also called: ACACB-related condition.

Allele frequency attached by ClinVar (database versions not stated): ExAC 0.00002; ESP Exome Variant Server 0.00008.
gnomAD v4.1: 34 of 1,613,832 alleles (0.0021%); highest among the groups gnomAD compares: East Asian, 0.011%; no homozygotes.

Submission:

PreventionGenetics, part of Exact Sciences
Classification: Likely benign for ACACB-related condition. Last evaluated: 2024-08-14. Review status: no assertion criteria provided. Collection method: clinical testing. Allele origin: germline.
Comment: This variant is classified as likely benign based on ACMG/AMP sequence variant interpretation guidelines (Richards et al. 2015 PMID: 25741868, with internal and published modifications).